The following is an entry in ClinVar:

NM_178012.5(TUBB2B):c.848C>A (p.Ala283Glu)

Gene: TUBB2B (tubulin beta 2B class IIb; minus strand). Cytogenetic location: 6p25.2.
Variant type: single nucleotide variant.
Coding change: c.848C>A on transcript NM_178012.5 (MANE Select); coding-DNA position 848, C replaced by A.
Protein change: p.Ala283Glu; replaces alanine 283 with glutamic acid.
Molecular consequence: missense variant.
Genome position (GRCh38, 1-based): chr6:3,225,241, G>T on the plus strand (C>A on the coding strand, the complement: TUBB2B is on the minus strand). VCF-style: chr6-3225241-G-T. GRCh37 (hg19) VCF-style: chr6-3225475-G-T.
Other names: short protein forms A283E.
Identifiers: ClinVar variation 4795498 (VCV004795498.1).

ClinVar aggregate classification (germline): Uncertain significance (1 of 4 stars; one submission).

Submission:

GeneDx
Classification: Uncertain significance. Last evaluated: 2025-08-12. Review status: criteria provided, single submitter. Criteria: GeneDx Variant Classification Process June 2021. Collection method: clinical testing. Allele origin: germline. Affected: yes.
Comment: Not observed at significant frequency in large population cohorts (gnomAD); Missense variants in this gene are a common cause of disease and they are underrepresented in the general population; In silico analysis supports that this missense variant has a deleterious effect on protein structure/function; Has not been previously published as pathogenic or benign to our knowledge; This variant is associated with the following publications: (PMID: 27010057)